The following is an entry in ClinVar:

NM_014874.4(MFN2):c.1511T>C (p.Leu504Pro)

Gene: MFN2 (mitofusin 2; plus strand). Cytogenetic location: 1p36.22.
Variant type: single nucleotide variant.
Coding change: c.1511T>C on transcript NM_014874.4 (MANE Select); coding-DNA position 1511, T replaced by C.
Protein change: p.Leu504Pro; replaces leucine 504 with proline.
Molecular consequence: missense variant.
Genome position (GRCh38, 1-based): chr1:12,005,726, T>C. VCF-style: chr1-12005726-T-C. GRCh37 (hg19) VCF-style: chr1-12065783-T-C.
Other names: c.1511T>C, p.Leu504Pro (NM_001127660.2); short protein forms L504P.
Identifiers: ClinVar variation 543217 (VCV000543217.10), dbSNP rs1553145023, ClinGen allele CA338447853.

ClinVar aggregate classification (germline): Uncertain significance (1 of 4 stars; one submission).

Conditions:
Charcot-Marie-Tooth disease type 2A2. Also called: CHARCOT-MARIE-TOOTH DISEASE, NEURONAL, TYPE 2A2; HEREDITARY MOTOR AND SENSORY NEUROPATHY IIA2; HMSN IIA2; CHARCOT-MARIE-TOOTH DISEASE, AXONAL, TYPE 2A2; CHARCOT-MARIE-TOOTH DISEASE, AXONAL, AUTOSOMAL DOMINANT, TYPE 2A2A; Charcot-Marie-Tooth Neuropathy Type 2A2. Identifiers: Orphanet 99947, MedGen C4721887, MONDO:0012231, OMIM 609260.
Charcot-Marie-Tooth disease, axonal, autosomal recessive, type 2a2b;. Also called: Charcot-Marie-Tooth disease, axonal, autosomal recessive, type 2A2B; Charcot-Marie-Tooth disease, axonal, type 2A2B. Identifiers: MedGen C4310725, MONDO:0014906, OMIM 617087.
Hereditary motor and sensory neuropathy with optic atrophy. Also called: CHARCOT-MARIE-TOOTH DISEASE, TYPE 6; PERIPHERAL NEUROPATHY AND OPTIC ATROPHY. Identifiers: Orphanet 90120, MedGen C0393807, MONDO:0019551.
Charcot-Marie-Tooth disease type 2. Also called: Charcot-Marie-Tooth type 2. Identifiers: Orphanet 64746, MedGen C0270914, MONDO:0018993.

Allele frequency attached by ClinVar (database versions not stated): TOPMed below 0.00001.

Submission:

Labcorp Genetics (formerly Invitae), Labcorp
Classification: Uncertain significance for Charcot-Marie-Tooth disease type 2. Last evaluated: 2017-11-30. Review status: criteria provided, single submitter. Criteria: Invitae Variant Classification Sherloc (09022015). Collection method: clinical testing. Allele origin: germline.
Comment: In summary, the available evidence is currently insufficient to determine the role of this variant in disease. Therefore, it has been classified as a Variant of Uncertain Significance. Algorithms developed to predict the effect of missense changes on protein structure and function do not agree on the potential impact of this missense change (SIFT: "Deleterious"; PolyPhen-2: "Probably Damaging"; Align-GVGD: "Class C0"). This variant has not been reported in the literature in individuals with MFN2-related disease. This variant is not present in population databases (ExAC no frequency). This sequence change replaces leucine with proline at codon 504 of the MFN2 protein (p.Leu504Pro). The leucine residue is moderately conserved and there is a moderate physicochemical difference between leucine and proline.